The following is an entry in ClinVar:

ClinVar aggregate classification (germline): Conflicting classifications of pathogenicity. Review status: criteria provided, conflicting classifications (1 of 4 stars). 4 submissions from 4 submitters: Likely pathogenic (1); Uncertain significance (3). Last evaluated 2024-12-22.

Conditions:
ALG1-congenital disorder of glycosylation. Also called: CDG Ik; ALG1-CDG; CONGENITAL DISORDER OF GLYCOSYLATION, TYPE Ik. Identifiers: Orphanet 79327, MedGen C2931005, MONDO:0012052, OMIM 608540.

Submissions (4):

Labcorp Genetics (formerly Invitae), Labcorp
Classification: Uncertain significance for ALG1-congenital disorder of glycosylation. Last evaluated: 2024-12-22. Review status: criteria provided, single submitter. Criteria: Invitae Variant Classification Sherloc (09022015). Collection method: clinical testing. Allele origin: germline.
Comment: This variant, c.34_51dup, results in the insertion of 6 amino acid(s) of the ALG1 protein (p.Cys12_Leu17dup), but otherwise preserves the integrity of the reading frame. This variant is present in population databases (no rsID available, gnomAD 0.009%). This variant has not been reported in the literature in individuals affected with ALG1-related conditions. ClinVar contains an entry for this variant (Variation ID: 803207). Experimental studies and prediction algorithms are not available or were not evaluated, and the functional significance of this variant is currently unknown. In summary, the available evidence is currently insufficient to determine the role of this variant in disease. Therefore, it has been classified as a Variant of Uncertain Significance.

Fulgent Genetics
Classification: Uncertain significance for ALG1-congenital disorder of glycosylation. Last evaluated: 2024-05-28. Review status: criteria provided, single submitter. Criteria: ACMG Guidelines, 2015. Collection method: clinical testing. Allele origin: germline.

Women's Health and Genetics/Laboratory Corporation of America, LabCorp
Classification: Uncertain significance. Last evaluated: 2024-02-20. Review status: criteria provided, single submitter. Criteria: LabCorp Variant Classification Summary - May 2015. Collection method: clinical testing. Allele origin: germline.
Comment: Variant summary: ALG1 c.34_51dup18 (p.Cys12_Leu17dup) results in an in-frame duplication that is predicted to duplicate six amino acids into the encoded protein. The variant allele was found at a frequency of 9.3e-06 in 1604444 control chromosomes, predominantly at a frequency of 0.00011 within the African or African-American subpopulation in the gnomAD database (v4.0.0). The available data on variant occurrences in the general population are insufficient to allow any conclusion about variant significance. To our knowledge, no occurrence of c.34_51dup18 in individuals affected with Congenital Disorder Of Glycosylation Type 1K and no experimental evidence demonstrating its impact on protein function have been reported. ClinVar contains an entry for this variant (Variation ID: 803207). Based on the evidence outlined above, the variant was classified as uncertain significance.

Mendelics
Classification: Likely pathogenic for ALG1-congenital disorder of glycosylation. Last evaluated: 2019-05-28. Review status: criteria provided, single submitter. Criteria: Mendelics Assertion Criteria 2017. Collection method: clinical testing. Allele origin: unknown.

NM_019109.5(ALG1):c.34_51dup (p.Cys12_Leu17dup)

Genes: ALG1 (ALG1 chitobiosyldiphosphodolichol beta-mannosyltransferase; plus strand), LOC130058383 (ATAC-STARR-seq lymphoblastoid active region 10348; plus strand). Cytogenetic location: 16p13.3.
Variant type: Duplication.
Coding change: c.34_51dup on transcript NM_019109.5 (MANE Select); coding-DNA positions 34 to 51, 18 bases duplicated (TGTCTGCTGCTGCCGCTG).
Protein change: p.Cys12_Leu17dup.
Molecular consequence: inframe insertion.
Genome position (GRCh38, 1-based): chr16:5,071,883-5,071,900, TGTCTGCTGCTGCCGCTG duplicated; duplicating any 18 consecutive bases within chr16:5,071,878-5,071,900 gives the same sequence; the c. name uses the placement nearest the transcript's 3' end. VCF-style (leftmost placement, unchanged base first): chr16-5071877-G-GCGCTGTGTCTGCTGCTGC. GRCh37 (hg19) VCF-style: chr16-5121878-G-GCGCTGTGTCTGCTGCTGC.
Other names: c.34_51dup18 (NM_019109.5).
Identifiers: ClinVar variation 803207 (VCV000803207.10), dbSNP rs1436106795, ClinGen allele CA620717975.